The following is an entry in ClinVar:

ClinVar aggregate classification (germline): Uncertain significance (1 of 4 stars; one submission).

Conditions:
Hypertrophic cardiomyopathy. Also called: HYPERTROPHIC MYOCARDIOPATHY. Identifiers: Orphanet 217569, MedGen C0007194, MeSH D002312, MONDO:0005045, HP:0001639.

Submission:

Labcorp Genetics (formerly Invitae), Labcorp
Classification: Uncertain significance for Hypertrophic cardiomyopathy. Last evaluated: 2025-05-27. Review status: criteria provided, single submitter. Criteria: Invitae Variant Classification Sherloc (09022015). Collection method: clinical testing. Allele origin: germline.
Comment: This sequence change replaces glutamic acid, which is acidic and polar, with aspartic acid, which is acidic and polar, at codon 809 of the MYBPC3 protein (p.Glu809Asp). This variant is not present in population databases (gnomAD no frequency). This variant has not been reported in the literature in individuals affected with MYBPC3-related conditions. An algorithm developed to predict the effect of missense changes on protein structure and function (PolyPhen-2) suggests that this variant is likely to be disruptive. In summary, the available evidence is currently insufficient to determine the role of this variant in disease. Therefore, it has been classified as a Variant of Uncertain Significance.

NM_000256.3(MYBPC3):c.2427G>C (p.Glu809Asp)

Gene: MYBPC3 (myosin binding protein C3; minus strand). Cytogenetic location: 11p11.2.
Variant type: single nucleotide variant.
Coding change: c.2427G>C on transcript NM_000256.3 (MANE Select); coding-DNA position 2427, G replaced by C.
Protein change: p.Glu809Asp; replaces glutamic acid 809 with aspartic acid.
Molecular consequence: missense variant.
Genome position (GRCh38, 1-based): chr11:47,337,566, C>G on the plus strand (G>C on the coding strand, the complement: MYBPC3 is on the minus strand). VCF-style: chr11-47337566-C-G. GRCh37 (hg19) VCF-style: chr11-47359117-C-G.
Other names: short protein forms E809D.
Identifiers: ClinVar variation 4720346 (VCV004720346.1).